The following is an entry in ClinVar:

NM_001963.6(EGF):c.2347C>G (p.Leu783Val)

Genes: EGF (epidermal growth factor; plus strand), LOC126807134 (BRD4-independent group 4 enhancer GRCh37_chr4:110900995-110902194; plus strand). Cytogenetic location: 4q25.
Variant type: single nucleotide variant.
Coding change: c.2347C>G on transcript NM_001963.6 (MANE Select); coding-DNA position 2347, C replaced by G.
Protein change: p.Leu783Val; replaces leucine 783 with valine.
Molecular consequence: missense variant.
Genome position (GRCh38, 1-based): chr4:109,980,951, C>G. VCF-style: chr4-109980951-C-G. GRCh37 (hg19) VCF-style: chr4-110902107-C-G.
Other names: c.2347C>G, p.Leu783Val (NM_001178130.3); c.2221C>G, p.Leu741Val (NM_001178131.3, NM_001357021.2); short protein forms L741V, L783V.
Identifiers: ClinVar variation 3675331 (VCV003675331.2).

ClinVar aggregate classification (germline): Uncertain significance (1 of 4 stars; one submission).

gnomAD v4.1: 16 of 1,613,962 alleles (0.00099%); highest among the groups gnomAD compares: Non-Finnish European, 0.0011%; no homozygotes.

Submission:

Labcorp Genetics (formerly Invitae), Labcorp
Classification: Uncertain significance. Last evaluated: 2024-03-24. Review status: criteria provided, single submitter. Criteria: Invitae Variant Classification Sherloc (09022015). Collection method: clinical testing. Allele origin: germline.
Comment: This sequence change replaces leucine, which is neutral and non-polar, with valine, which is neutral and non-polar, at codon 783 of the EGF protein (p.Leu783Val). This variant is present in population databases (rs754198882, gnomAD 0.002%). This variant has not been reported in the literature in individuals affected with EGF-related conditions. An algorithm developed to predict the effect of missense changes on protein structure and function (PolyPhen-2) suggests that this variant is likely to be tolerated. In summary, the available evidence is currently insufficient to determine the role of this variant in disease. Therefore, it has been classified as a Variant of Uncertain Significance.